The following is an entry in ClinVar:

NM_001378418.1(TCF20):c.199G>T (p.Ala67Ser)

Gene: TCF20 (transcription factor 20; minus strand). Cytogenetic location: 22q13.2.
Variant type: single nucleotide variant.
Coding change: c.199G>T on transcript NM_001378418.1 (MANE Select); coding-DNA position 199, G replaced by T.
Protein change: p.Ala67Ser; replaces alanine 67 with serine.
Molecular consequence: missense variant.
Genome position (GRCh38, 1-based): chr22:42,215,107, C>A on the plus strand (G>T on the coding strand, the complement: TCF20 is on the minus strand). VCF-style: chr22-42215107-C-A. GRCh37 (hg19) VCF-style: chr22-42611113-C-A.
Other names: c.199G>T, p.Ala67Ser (NM_005650.4, NM_181492.3); c.199G>T (NM_005650.1); short protein forms A67S.
Identifiers: ClinVar variation 2421361 (VCV002421361.26), dbSNP rs202014904, ClinGen allele CA10267412.

ClinVar aggregate classification (germline): Likely benign. Review status: criteria provided, multiple submitters, no conflicts (2 of 4 stars). 3 submissions from 3 submitters: Likely benign (3). Last evaluated 2026-01-11.

Conditions:
Inborn genetic diseases. Identifiers: MedGen C0950123, MeSH D030342.

Allele frequency attached by ClinVar (database versions not stated): TOPMed 0.00006; gnomAD 0.00007; ESP Exome Variant Server 0.00008; 1000 Genomes Project 0.00020; 1000 Genomes Project 30x 0.00031; ExAC 0.00006.
gnomAD v4.1: 166 of 1,614,182 alleles (0.01%); highest among the groups gnomAD compares: Non-Finnish European, 0.014%; no homozygotes.

Submissions (3):

Labcorp Genetics (formerly Invitae), Labcorp
Classification: Likely benign. Last evaluated: 2026-01-11. Review status: criteria provided, single submitter. Criteria: Invitae Variant Classification Sherloc (09022015). Collection method: clinical testing. Allele origin: germline.

CeGaT Center for Human Genetics Tuebingen
Classification: Likely benign. Last evaluated: 2024-05-01. Review status: criteria provided, single submitter. Criteria: CeGaT Center For Human Genetics Tuebingen Variant Classification Criteria Version 2. Collection method: clinical testing. Allele origin: germline. Affected: yes. Observed: 1 variant allele.
Comment: TCF20: BS2

Ambry Genetics
Classification: Likely benign for Inborn genetic diseases. Last evaluated: 2023-05-31. Review status: criteria provided, single submitter. Criteria: Ambry Variant Classification Scheme 2023. Collection method: clinical testing. Allele origin: germline.